The following is an entry in ClinVar:

ClinVar aggregate classification (germline): Uncertain significance. Review status: criteria provided, multiple submitters, no conflicts (2 of 4 stars). 2 submissions from 2 submitters: Uncertain significance (2). Last evaluated 2025-09-25.

Conditions:
IKZF3-related condition.

gnomAD v4.1: 17 of 1,613,900 alleles (0.0011%); highest among the groups gnomAD compares: African/African-American, 0.0027%; no homozygotes.

Submissions (2):

Ambry Genetics
Classification: Uncertain significance. Last evaluated: 2025-09-25. Review status: criteria provided, single submitter. Criteria: Ambry Variant Classification Scheme 2023. Collection method: clinical testing. Allele origin: germline.

PreventionGenetics, part of Exact Sciences
Classification: Uncertain significance for IKZF3-related condition. Last evaluated: 2025-03-18. Review status: criteria provided, single submitter. Criteria: ACMG Guidelines, 2015. Collection method: clinical testing. Allele origin: germline.
Comment: The IKZF3 c.532C>A variant is predicted to result in the amino acid substitution p.Leu178Ile. To our knowledge, this variant has not been reported in the literature. This variant is reported in 0.0080% of alleles in individuals of African descent in gnomAD, which may be too common to be causative. Although we suspect that this variant may be benign, at this time, the clinical significance of this variant is uncertain due to the absence of conclusive functional and genetic evidence.

NM_012481.5(IKZF3):c.532C>A (p.Leu178Ile)

Gene: IKZF3 (IKAROS family zinc finger 3; minus strand). Cytogenetic location: 17q12.
Variant type: single nucleotide variant.
Coding change: c.532C>A on transcript NM_012481.5 (MANE Select); coding-DNA position 532, C replaced by A.
Protein change: p.Leu178Ile; replaces leucine 178 with isoleucine.
Molecular consequence: missense variant. On other transcripts: 5 prime UTR variant (1), intron variant (7).
Genome position (GRCh38, 1-based): chr17:39,791,476, G>T on the plus strand (C>A on the coding strand, the complement: IKZF3 is on the minus strand). VCF-style: chr17-39791476-G-T. GRCh37 (hg19) VCF-style: chr17-37947729-G-T.
Other names: c.532C>A (NM_012481.4); c.430C>A, p.Leu144Ile (NM_001257408.2, NM_001257409.2); c.271C>A, p.Leu91Ile (NM_001257410.2); c.-336C>A (NM_001284514.2); c.532C>A, p.Leu178Ile (NM_183229.3, NM_183230.3, NM_183232.3); c.164-24983C>A (NM_001257413.2); c.164-13709C>A (NM_001257412.2); c.164-3102C>A (NM_001257411.2); and 2 more; short protein forms L144I, L91I, L178I.
Identifiers: ClinVar variation 4678377 (VCV004678377.2).